The following is an entry in ClinVar:

NM_005027.4(PIK3R2):c.141C>T (p.Gly47=)

Gene: PIK3R2 (phosphoinositide-3-kinase regulatory subunit 2; plus strand). Cytogenetic location: 19p13.11.
Variant type: single nucleotide variant.
Coding change: c.141C>T on transcript NM_005027.4 (MANE Select); coding-DNA position 141, C replaced by T.
Protein change: p.Gly47=; no amino-acid change (glycine 47 retained).
Molecular consequence: synonymous variant. On other transcripts: non-coding transcript variant (2).
Genome position (GRCh38, 1-based): chr19:18,156,020, C>T. VCF-style: chr19-18156020-C-T. GRCh37 (hg19) VCF-style: chr19-18266830-C-T.
Identifiers: ClinVar variation 4084014 (VCV004084014.8).

ClinVar aggregate classification (germline): Likely benign (1 of 4 stars; one submission).

gnomAD v4.1: 8 of 1,558,316 alleles (0.00051%); highest among the groups gnomAD compares: South Asian, 0.0059%; no homozygotes.

Submission:

CeGaT Center for Human Genetics Tuebingen
Classification: Likely benign. Last evaluated: 2025-07-01. Review status: criteria provided, single submitter. Criteria: CeGaT Center For Human Genetics Tuebingen Variant Classification Criteria Version 2. Collection method: clinical testing. Allele origin: germline. Affected: yes. Observed: 1 variant allele.
Comment: PIK3R2: BP4, BP7